The following is an entry in ClinVar:

NM_004656.4(BAP1):c.606G>T (p.Trp202Cys)

Gene: BAP1 (BRCA1 associated deubiquitinase 1; minus strand). Cytogenetic location: 3p21.1.
Variant type: single nucleotide variant.
Coding change: c.606G>T on transcript NM_004656.4 (MANE Select); coding-DNA position 606, G replaced by T.
Protein change: p.Trp202Cys; replaces tryptophan 202 with cysteine.
Molecular consequence: missense variant.
Genome position (GRCh38, 1-based): chr3:52,406,882, C>A on the plus strand (G>T on the coding strand, the complement: BAP1 is on the minus strand). VCF-style: chr3-52406882-C-A. GRCh37 (hg19) VCF-style: chr3-52440898-C-A.
Other names: c.606G>T (LRG_529t1); short protein forms W202C.
Identifiers: ClinVar variation 485293 (VCV000485293.12), dbSNP rs868339867, ClinGen allele CA74743510.

ClinVar aggregate classification (germline): Conflicting classifications of pathogenicity. Review status: criteria provided, conflicting classifications (1 of 4 stars). 2 submissions from 2 submitters: Pathogenic (1); Uncertain significance (1). Last evaluated 2026-06-26.

Conditions:
BAP1-related tumor predisposition syndrome (TPDS1). Also called: TUMOR PREDISPOSITION SYNDROME 1; BAP1 tumor predisposition syndrome; Tumor susceptibility linked to germline BAP1 mutations; COMMON Syndrome. Identifiers: Orphanet 289539, MedGen C3280492, MONDO:0013692, OMIM 614327.
Hereditary cancer-predisposing syndrome. Also called: Neoplastic Syndromes, Hereditary; Hereditary neoplastic syndrome; Hereditary Cancer Syndrome; Tumor predisposition. Identifiers: Orphanet 140162, MedGen C0027672, MeSH D009386, MONDO:0015356.

Submissions (2):

Ambry Genetics
Classification: Pathogenic for Hereditary cancer-predisposing syndrome. Last evaluated: 2026-06-26. Review status: criteria provided, single submitter. Criteria: Ambry Variant Classification Scheme 2023. Collection method: clinical testing. Allele origin: germline.
Comment: The p.W202C pathogenic mutation (also known as c.606G>T), located in coding exon 8 of the BAP1 gene, results from a G to T substitution at nucleotide position 606. The tryptophan at codon 202 is replaced by cysteine, an amino acid with highly dissimilar properties. This variant was reported in individual(s) with features consistent with BAP1-related tumor predisposition syndrome (De Rienzo A et al. Cancer Res. 2016 Jan;76(2):319-28; personal communication; Ambry internal data). Other variant(s) at the same codon, c.604T>C, p.W202R, have been identified in individual(s) with features consistent with BAP1-related tumor predisposition syndrome (Kittaneh M et al. J Transl Med, 2018 Jul;16:194). This alteration was non-functional in a high throughput genome editing haploid cell survival functional assay (Waters AJ et al. Nat Genet, 2024 Jul;56:1434-1445). This amino acid position is highly conserved in available vertebrate species. In addition, this alteration is predicted to be deleterious by in silico analysis. This variant is considered to be rare based on population cohorts in the Genome Aggregation Database (gnomAD). Based on the supporting evidence, this variant is interpreted as a disease-causing mutation.

Labcorp Genetics (formerly Invitae), Labcorp
Classification: Uncertain significance for BAP1-related tumor predisposition syndrome. Last evaluated: 2020-03-09. Review status: criteria provided, single submitter. Criteria: Invitae Variant Classification Sherloc (09022015). Collection method: clinical testing. Allele origin: germline.
Comment: Algorithms developed to predict the effect of missense changes on protein structure and function (SIFT, PolyPhen-2, Align-GVGD) all suggest that this variant is likely to be disruptive, but these predictions have not been confirmed by published functional studies and their clinical significance is uncertain. This variant has been observed in individual(s) with BAP1-related conditions (PMID: 26554828, Invitae). ClinVar contains an entry for this variant (Variation ID: 485293). This variant is not present in population databases (ExAC no frequency). This sequence change replaces tryptophan with cysteine at codon 202 of the BAP1 protein (p.Trp202Cys). The tryptophan residue is highly conserved and there is a large physicochemical difference between tryptophan and cysteine. This variant disrupts the p.Trp202 amino acid residue in BAP1. Other variant(s) that disrupt this residue have been observed in individuals with BAP1-related conditions (PMID: 30001711), which suggests that this may be a clinically significant amino acid residue. In summary, the available evidence is currently insufficient to determine the role of this variant in disease. Therefore, it has been classified as a Variant of Uncertain Significance.

Literature cited by the submitters: PubMed 30001711 (cited by Ambry Genetics and Labcorp Genetics (formerly Invitae), Labcorp); PubMed 38969833 (cited by Ambry Genetics); PubMed 26554828 (cited by Labcorp Genetics (formerly Invitae), Labcorp).